The following is an entry in ClinVar:

NM_001267550.2(TTN):c.49070C>T (p.Ala16357Val)

Genes: TTN (titin; minus strand), TTN-AS1 (TTN antisense RNA 1; plus strand), LOC126806426 (BRD4-independent group 4 enhancer GRCh37_chr2:179478848-179480047; plus strand). Cytogenetic location: 2q31.2.
Variant type: single nucleotide variant.
Coding change: c.49070C>T on transcript NM_001267550.2 (MANE Select); coding-DNA position 49070, C replaced by T.
Protein change: p.Ala16357Val; replaces alanine 16357 with valine.
Molecular consequence: missense variant. On other transcripts: non-coding transcript variant (1).
Genome position (GRCh38, 1-based): chr2:178,614,327, G>A on the plus strand (C>T on the coding strand, the complement: TTN is on the minus strand). VCF-style: chr2-178614327-G-A. GRCh37 (hg19) VCF-style: chr2-179479054-G-A.
Other names: p.A14716V:GCC>GTC; c.44147C>T, p.Ala14716Val (NM_001256850.1); c.21875C>T, p.Ala7292Val (NM_003319.4); c.41366C>T, p.Ala13789Val (NM_133378.4); c.22250C>T, p.Ala7417Val (NM_133432.3); c.22451C>T, p.Ala7484Val (NM_133437.4); short protein forms A13789V, A16357V, A14716V, A7417V, A7484V, A7292V.
Identifiers: ClinVar variation 191952 (VCV000191952.12), dbSNP rs199768159, ClinGen allele CA302481.

ClinVar aggregate classification (germline): Uncertain significance. Review status: criteria provided, multiple submitters, no conflicts (2 of 4 stars). 11 submissions from 7 submitters: Uncertain significance (11). Last evaluated 2026-08-18.

Conditions:
TTN-related disorder. Also called: TTN-related condition; TTN-related disease; TTN-related disorders.
Dilated cardiomyopathy 1G (CMD1G). Identifiers: Orphanet 154, MedGen C1858763, MONDO:0011400, OMIM 604145.
Autosomal recessive limb-girdle muscular dystrophy type 2J (LGMDR10). Also called: Limb-girdle muscular dystrophy, type 2J; MUSCULAR DYSTROPHY, LIMB-GIRDLE, AUTOSOMAL RECESSIVE 10. Identifiers: Orphanet 140922, MedGen C1837342, MONDO:0012127, OMIM 608807.
Myopathy, myofibrillar, 9, with early respiratory failure (MFM9). Also called: Hereditary myopathy with early respiratory failure; EDSTROM MYOPATHY; MYOPATHY, PROXIMAL, WITH EARLY RESPIRATORY MUSCLE INVOLVEMENT; Myopathy, distal, with early respiratory failure, autosomal dominant. Identifiers: Orphanet 178464, Orphanet 34521, MedGen C1863599, MONDO:0011362, OMIM 603689.
Tibial muscular dystrophy (TMD). Also called: Udd Distal Myopathy – Tibial Muscular Dystrophy; UDD MYOPATHY; Tibial muscular dystrophy, tardive. Identifiers: Orphanet 609, MedGen C1838244, MONDO:0010870, OMIM 600334.
Early-onset myopathy with fatal cardiomyopathy (CMYO5). Also called: CONGENITAL MYOPATHY 5 WITH CARDIOMYOPATHY; Salih Myopathy. Identifiers: Orphanet 289377, MedGen C2673677, MONDO:0012714, OMIM 611705. Disease mechanism: loss of function.

Allele frequency attached by ClinVar (database versions not stated): gnomAD exomes 0.00001 and 0.00002; ExAC 0.00002; ESP Exome Variant Server 0.00008; gnomAD 0.00008 and 0.00009; TOPMed 0.00009.
gnomAD v4.1: 28 of 1,612,438 alleles (0.0017%); highest among the groups gnomAD compares: African/African-American, 0.023%; no homozygotes.

Submissions (11):

PreventionGenetics, part of Exact Sciences
Classification: Uncertain significance for TTN-related condition. Last evaluated: 2026-08-18. Review status: criteria provided, single submitter. Criteria: ACMG Guidelines, 2015. Collection method: clinical testing. Allele origin: germline.
Comment: The TTN c.49070C>T variant is predicted to result in the amino acid substitution p.Ala16357Val. To our knowledge, this variant has not been reported in individuals with TTN-related disorders. This variant is reported in 0.029% of alleles in individuals of Ashkenazi Jewish descent in gnomAD. At this time, the clinical significance of this variant is uncertain due to the absence of conclusive functional and genetic evidence.

Revvity Omics, Revvity
Classification: Uncertain significance. Last evaluated: 2022-02-07. Review status: criteria provided, single submitter. Criteria: ACMG Guidelines, 2015. Collection method: clinical testing. Allele origin: germline.

Women's Health and Genetics/Laboratory Corporation of America, LabCorp
Classification: Uncertain significance. Last evaluated: 2020-01-13. Review status: criteria provided, single submitter. Criteria: LabCorp Variant Classification Summary - May 2015. Collection method: clinical testing. Allele origin: germline.
Comment: Variant summary: TTN c.41366C>T (p.Ala13789Val) results in a non-conservative amino acid change located in the A-band of the encoded protein sequence. Four of five in-silico tools predict a damaging effect of the variant on protein function. The variant allele was found at a frequency of 1.6e-05 in 246784 control chromosomes (gnomAD). The available data on variant occurrences in the general population are insufficient to allow any conclusion about variant significance. c.41366C>T has been reported in the literature atleast in an individual undergoing exome sequencing (Ng _2013). This report however, does not provide unequivocal conclusions about association of the variant with Cardiomyopathy. To our knowledge, no experimental evidence demonstrating an impact on protein function has been reported. Two ClinVar submitters (evaluation after 2014) cite the variant as uncertain significance. Based on the evidence outlined above, the variant was classified as uncertain significance.

Illumina Laboratory Services, Illumina
Classification: Uncertain significance for Dilated cardiomyopathy 1G. Last evaluated: 2018-01-13. Review status: criteria provided, single submitter. Criteria: ICSL Variant Classification Criteria 13 December 2019. Collection method: clinical testing. Allele origin: germline.

Illumina Laboratory Services, Illumina
Classification: Uncertain significance for Myopathy, myofibrillar, 9, with early respiratory failure. Last evaluated: 2018-01-13. Review status: criteria provided, single submitter. Criteria: ICSL Variant Classification Criteria 13 December 2019. Collection method: clinical testing. Allele origin: germline.

Illumina Laboratory Services, Illumina
Classification: Uncertain significance for Autosomal recessive limb-girdle muscular dystrophy type 2J. Last evaluated: 2018-01-13. Review status: criteria provided, single submitter. Criteria: ICSL Variant Classification Criteria 13 December 2019. Collection method: clinical testing. Allele origin: germline.

Illumina Laboratory Services, Illumina
Classification: Uncertain significance for Tibial muscular dystrophy. Last evaluated: 2018-01-13. Review status: criteria provided, single submitter. Criteria: ICSL Variant Classification Criteria 13 December 2019. Collection method: clinical testing. Allele origin: germline.

Illumina Laboratory Services, Illumina
Classification: Uncertain significance for Early-onset myopathy with fatal cardiomyopathy. Last evaluated: 2018-01-13. Review status: criteria provided, single submitter. Criteria: ICSL Variant Classification Criteria 13 December 2019. Collection method: clinical testing. Allele origin: germline.

Labcorp Genetics (formerly Invitae), Labcorp
Classification: Uncertain significance for Dilated cardiomyopathy 1G; Autosomal recessive limb-girdle muscular dystrophy type 2J. Last evaluated: 2017-02-20. Review status: criteria provided, single submitter. Criteria: Invitae Variant Classification Sherloc (09022015). Collection method: clinical testing. Allele origin: germline.

GeneDx
Classification: Uncertain significance. Last evaluated: 2014-06-17. Review status: criteria provided, single submitter. Criteria: GeneDx Variant Classification (06012015). Collection method: clinical testing. Allele origin: germline. Affected: yes.
Comment: Missense variants in the TTN gene are considered 'unclassified' if they are not previously reported in the literature and do not have >1% frequency in the population to be considered a polymorphism. Research indicates that truncating mutations in the TTN gene are expected to account for approximately 25% of familial and 18% of sporadic idiopathic DCM; however, truncating variants in the TTN gene have been reported in approximately 3% of reported control alleles. There has been little investigation into non-truncating variants. (Herman D et al. Truncations of titin causing dilated cardiomyopathy. N Eng J Med 366:619-628, 2012) The variant is found in CARDIOMYOPATHY panel(s).

Biesecker Lab/Clinical Genomics Section, National Institutes of Health
Classification: Uncertain significance. Last evaluated: 2013-06-24. Review status: criteria provided, single submitter. Criteria: Ng et al. (Circ Cardiovasc Genet. 2013). Collection method: research. Allele origin: unknown. Observed: 1 variant allele. Study: ClinSeq.
Comment: The study set was not selected for affection status in relation to any cancer. Pathogenicity categories were based on literature curation. See Pubmed ID:23861362 for details.

Medical sequencing

Literature cited by the submitters: PubMed 23861362 (cited by Women's Health and Genetics/Laboratory Corporation of America, LabCorp).